The following is an entry in ClinVar:

ClinVar aggregate classification (germline): Likely pathogenic (1 of 4 stars; one submission).

Conditions:
Cardiovascular phenotype. Identifiers: MedGen CN230736.

Submission:

Ambry Genetics
Classification: Likely pathogenic for Cardiovascular phenotype. Last evaluated: 2017-09-06. Review status: criteria provided, single submitter. Criteria: Ambry Variant Classification Scheme 2023. Collection method: clinical testing. Allele origin: germline.
Comment: The p.L370P variant (also known as c.1109T>C), located in coding exon 8 of the ENG gene, results from a T to C substitution at nucleotide position 1109. The leucine at codon 370 is replaced by proline, an amino acid with similar properties. This variant was identified in an individual with epistaxis, telagniectasias, and a pulmonary arteriovenous malformation (McDonald J et al. Clin. Genet., 2011 Apr;79:335-44). In addition, this variant was identified in a family with clinical features of hereditary hemorrhagic telangiectasia; however, specific information regarding this family were not provided (Komiyama M et al. J. Hum. Genet., 2014 Jan;59:37-41). This amino acid position is well conserved in available vertebrate species. In addition, this alteration is predicted to be deleterious by in silico analysis. Based on the majority of available evidence to date, this variant is likely to be pathogenic.

Literature cited by the submitters: PubMed 21158752; PubMed 24196379.

NM_001114753.3(ENG):c.1109T>C (p.Leu370Pro)

Gene: ENG (endoglin; minus strand). Cytogenetic location: 9q34.11.
Variant type: single nucleotide variant.
Coding change: c.1109T>C on transcript NM_001114753.3 (MANE Select); coding-DNA position 1109, T replaced by C.
Protein change: p.Leu370Pro; replaces leucine 370 with proline.
Molecular consequence: missense variant.
Genome position (GRCh38, 1-based): chr9:127,824,329, A>G on the plus strand (T>C on the coding strand, the complement: ENG is on the minus strand). VCF-style: chr9-127824329-A-G. GRCh37 (hg19) VCF-style: chr9-130586608-A-G.
Other names: c.1109T>C, p.Leu370Pro (NM_000118.4, NM_001406715.1); c.563T>C, p.Leu188Pro (NM_001278138.2); short protein forms L188P, L370P.
Identifiers: ClinVar variation 1794612 (VCV001794612.2), dbSNP rs1830547696, ClinGen allele CA374980705.